The following is an entry in ClinVar:

ClinVar aggregate classification (germline): Uncertain significance (1 of 4 stars; one submission).

gnomAD v4.1: 2 of 1,440,622 alleles (0.00014%); highest among the groups gnomAD compares: South Asian, 0.0015%; no homozygotes.

Submission:

Dasa
Classification: Uncertain significance. Last evaluated: 2024-11-01. Review status: criteria provided, single submitter. Criteria: DASA Assertion Criteria. Collection method: clinical testing. Allele origin: germline.
Comment: NM_001244810.2(FOXP1):c.1687G>A (p.Glu563Lys) is a missense variant that results in the substitution of glutamic acid with lysine. This variant is rare in population databases. The currently available literature and clinical evidence are not sufficient to establish a definitive association between this variant and the reported condition. Therefore, this variant is classified as a variant of uncertain significance.

NM_001349338.3(FOXP1):c.1652+531G>A

Gene: FOXP1 (forkhead box P1; minus strand). Cytogenetic location: 3p13.
Variant type: single nucleotide variant.
Coding change: c.1652+531G>A on transcript NM_001349338.3 (MANE Select); 531 bases into the intron after coding-DNA position 1652, G replaced by A.
Molecular consequence: intron variant. On other transcripts: missense variant (1).
Genome position (GRCh38, 1-based): chr3:70,972,024, C>T on the plus strand (G>A on the coding strand, the complement: FOXP1 is on the minus strand). VCF-style: chr3-70972024-C-T. GRCh37 (hg19) VCF-style: chr3-71021175-C-T.
Other names: c.1687G>A, p.Glu563Lys (NM_001244810.2); c.1652+531G>A (NM_032682.6, NM_001349340.3, NM_001244816.2 and 1 more transcripts); c.1649+531G>A (NM_001349341.3, NM_001244808.3); c.1424+531G>A (NM_001244812.3); c.1349+531G>A (NM_001349343.3, NM_001349337.2, NM_001370548.1 and 1 more transcripts); c.1352+531G>A (NM_001349342.3, NM_001244815.2, NM_001244813.3); short protein forms E563K.
Identifiers: ClinVar variation 5021057 (VCV005021057.1).
Genomic context (GRCh38, chr3:70,972,024, plus strand): 5'-CAAAGCAACAGCAGAAAAAAAAAACAAAAGCAAGTAAAGGCTCTTACTGTGCGACAAGCT[C>T]GTCAAAGTTTTCATCGGGGCAGTATTTGCGAGGACGGCCTCGTTGAATATGGCGGCCACG-3'